The following is an entry in ClinVar:

ClinVar aggregate classification (germline): Uncertain significance. Review status: criteria provided, multiple submitters, no conflicts (2 of 4 stars). 2 submissions from 2 submitters: Uncertain significance (2). Last evaluated 2024-04-15.

Conditions:
Inborn genetic diseases. Identifiers: MedGen C0950123, MeSH D030342.
Developmental and epileptic encephalopathy, 23 (DEE23). Also called: Epileptic encephalopathy, early infantile, 23. Identifiers: Orphanet 411986, MedGen C4014492, MONDO:0014371, OMIM 615859.

Allele frequency attached by ClinVar (database versions not stated): TOPMed 0.00002; gnomAD 0.00001; gnomAD exomes 0.00001.
gnomAD v4.1: 17 of 1,543,444 alleles (0.0011%); highest among the groups gnomAD compares: Non-Finnish European, 0.0014%; no homozygotes.

Submissions (2):

Ambry Genetics
Classification: Uncertain significance for Inborn genetic diseases. Last evaluated: 2024-04-15. Review status: criteria provided, single submitter. Criteria: Ambry Variant Classification Scheme 2023. Collection method: clinical testing. Allele origin: germline.

Labcorp Genetics (formerly Invitae), Labcorp
Classification: Uncertain significance for Developmental and epileptic encephalopathy, 23. Last evaluated: 2022-02-05. Review status: criteria provided, single submitter. Criteria: Invitae Variant Classification Sherloc (09022015). Collection method: clinical testing. Allele origin: germline.
Comment: In summary, the available evidence is currently insufficient to determine the role of this variant in disease. Therefore, it has been classified as a Variant of Uncertain Significance. Algorithms developed to predict the effect of missense changes on protein structure and function (SIFT, PolyPhen-2, Align-GVGD) all suggest that this variant is likely to be tolerated. This variant has not been reported in the literature in individuals affected with DOCK7-related conditions. This variant is not present in population databases (gnomAD no frequency). This sequence change replaces serine, which is neutral and polar, with glycine, which is neutral and non-polar, at codon 168 of the DOCK7 protein (p.Ser168Gly).

NM_001367561.1(DOCK7):c.502A>G (p.Ser168Gly)

Gene: DOCK7 (dedicator of cytokinesis 7; minus strand). Cytogenetic location: 1p31.3.
Variant type: single nucleotide variant.
Coding change: c.502A>G on transcript NM_001367561.1 (MANE Select); coding-DNA position 502, A replaced by G.
Protein change: p.Ser168Gly; replaces serine 168 with glycine.
Molecular consequence: missense variant.
Genome position (GRCh38, 1-based): chr1:62,648,432, T>C on the plus strand (A>G on the coding strand, the complement: DOCK7 is on the minus strand). VCF-style: chr1-62648432-T-C. GRCh37 (hg19) VCF-style: chr1-63114103-T-C.
Other names: c.502A>G (NM_033407.2); c.502A>G, p.Ser168Gly (NM_001271999.2, NM_001272000.2, NM_001272001.2 and 3 more transcripts); short protein forms S168G.
Identifiers: ClinVar variation 2075740 (VCV002075740.5), dbSNP rs949879071, ClinGen allele CA23790297.